The following is an entry in ClinVar:

NM_001374385.1(ATP8B1):c.1308T>G (p.Ala436=)

Gene: ATP8B1 (ATPase phospholipid transporting 8B1; minus strand). Cytogenetic location: 18q21.31.
Variant type: single nucleotide variant.
Coding change: c.1308T>G on transcript NM_001374385.1 (MANE Select); coding-DNA position 1308, T replaced by G.
Protein change: p.Ala436=; no amino-acid change (alanine 436 retained).
Molecular consequence: synonymous variant.
Genome position (GRCh38, 1-based): chr18:57,688,420, A>C on the plus strand (T>G on the coding strand, the complement: ATP8B1 is on the minus strand). VCF-style: chr18-57688420-A-C. GRCh37 (hg19) VCF-style: chr18-55355652-A-C.
Other names: c.1158T>G, p.Ala386= (NM_001374386.1); c.1308T>G, p.Ala436= (NM_005603.6).
Identifiers: ClinVar variation 508311 (VCV000508311.1), dbSNP rs1555691921, ClinGen allele CA504009232.

ClinVar aggregate classification (germline): Likely benign (1 of 4 stars; one submission).

Submission:

GeneDx
Classification: Likely benign. Last evaluated: 2017-04-05. Review status: criteria provided, single submitter. Criteria: GeneDx Variant Classification (06012015). Collection method: clinical testing. Allele origin: germline. Affected: yes.
Comment: This variant is considered likely benign or benign based on one or more of the following criteria: it is a conservative change, it occurs at a poorly conserved position in the protein, it is predicted to be benign by multiple in silico algorithms, and/or has population frequency not consistent with disease.